The following is an entry in ClinVar:

NM_000053.4(ATP7B):c.2986A>G (p.Met996Val)

Gene: ATP7B (ATPase copper transporting beta; minus strand). Cytogenetic location: 13q14.3.
Variant type: single nucleotide variant.
Coding change: c.2986A>G on transcript NM_000053.4 (MANE Select); coding-DNA position 2986, A replaced by G.
Protein change: p.Met996Val; replaces methionine 996 with valine.
Molecular consequence: missense variant.
Genome position (GRCh38, 1-based): chr13:51,946,358, T>C on the plus strand (A>G on the coding strand, the complement: ATP7B is on the minus strand). VCF-style: chr13-51946358-T-C. GRCh37 (hg19) VCF-style: chr13-52520494-T-C.
Other names: c.2365A>G, p.Met789Val (NM_001005918.3); c.2653A>G, p.Met885Val (NM_001243182.2); c.2752A>G, p.Met918Val (NM_001330578.2, NM_001406527.1, NM_001406528.1 and 1 more transcripts); c.2734A>G, p.Met912Val (NM_001330579.2, NM_001406531.1, NM_001406532.1); c.2986A>G, p.Met996Val (NM_001406511.1, NM_001406512.1, NM_001406513.1 and 2 more transcripts); c.2953A>G, p.Met985Val (NM_001406514.1); c.2932A>G, p.Met978Val (NM_001406515.1, NM_001406516.1); c.2746A>G, p.Met916Val (NM_001406530.1); and 12 more; short protein forms M566V, M789V, M834V, M912V, M964V, M996V, M802V, M853V.
Identifiers: ClinVar variation 2093508 (VCV002093508.4), dbSNP rs2547646291, ClinGen allele CA388032164.

ClinVar aggregate classification (germline): Likely pathogenic (1 of 4 stars; one submission).

Conditions:
Wilson disease (WND). Also called: Wilson's disease. Identifiers: Orphanet 905, MedGen C0019202, MONDO:0010200, OMIM 277900. Disease mechanism: loss of function.

Submission:

Labcorp Genetics (formerly Invitae), Labcorp
Classification: Likely pathogenic for Wilson disease. Last evaluated: 2022-04-05. Review status: criteria provided, single submitter. Criteria: Invitae Variant Classification Sherloc (09022015). Collection method: clinical testing. Allele origin: germline.
Comment: This sequence change replaces methionine, which is neutral and non-polar, with valine, which is neutral and non-polar, at codon 996 of the ATP7B protein (p.Met996Val). This variant is not present in population databases (gnomAD no frequency). This variant has not been reported in the literature in individuals affected with ATP7B-related conditions. Advanced modeling of protein sequence and biophysical properties (such as structural, functional, and spatial information, amino acid conservation, physicochemical variation, residue mobility, and thermodynamic stability) performed at Invitae indicates that this missense variant is expected to disrupt ATP7B protein function. This variant disrupts the p.Met996 amino acid residue in ATP7B. Other variant(s) that disrupt this residue have been determined to be pathogenic (PMID: 16088907, 22677543; Invitae). This suggests that this residue is clinically significant, and that variants that disrupt this residue are likely to be disease-causing. In summary, the currently available evidence indicates that the variant is pathogenic, but additional data are needed to prove that conclusively. Therefore, this variant has been classified as Likely Pathogenic.

Literature cited by the submitters: PubMed 16088907; PubMed 22677543.